The following is an entry in ClinVar:

ClinVar aggregate classification (germline): Uncertain significance (1 of 4 stars; one submission).

Allele frequency attached by ClinVar (database versions not stated): gnomAD exomes 0.00001; ExAC 0.00002.
gnomAD v4.1: 9 of 1,614,204 alleles (0.00056%); highest among the groups gnomAD compares: East Asian, 0.016%; no homozygotes.

Submission:

Labcorp Genetics (formerly Invitae), Labcorp
Classification: Uncertain significance. Last evaluated: 2022-04-15. Review status: criteria provided, single submitter. Criteria: Invitae Variant Classification Sherloc (09022015). Collection method: clinical testing. Allele origin: germline.
Comment: This variant has not been reported in the literature in individuals affected with AHR-related conditions. In summary, the available evidence is currently insufficient to determine the role of this variant in disease. Therefore, it has been classified as a Variant of Uncertain Significance. Algorithms developed to predict the effect of missense changes on protein structure and function (SIFT, PolyPhen-2, Align-GVGD) all suggest that this variant is likely to be tolerated. This variant is present in population databases (rs760992696, gnomAD 0.03%). This sequence change replaces threonine, which is neutral and polar, with serine, which is neutral and polar, at codon 578 of the AHR protein (p.Thr578Ser).

NM_001621.5(AHR):c.1732A>T (p.Thr578Ser)

Gene: AHR (aryl hydrocarbon receptor; plus strand). Cytogenetic location: 7p21.1.
Variant type: single nucleotide variant.
Coding change: c.1732A>T on transcript NM_001621.5 (MANE Select); coding-DNA position 1732, A replaced by T.
Protein change: p.Thr578Ser; replaces threonine 578 with serine.
Molecular consequence: missense variant.
Genome position (GRCh38, 1-based): chr7:17,339,557, A>T. VCF-style: chr7-17339557-A-T. GRCh37 (hg19) VCF-style: chr7-17379181-A-T.
Other names: short protein forms T578S.
Identifiers: ClinVar variation 1930481 (VCV001930481.5), dbSNP rs760992696, ClinGen allele CA4172172.